The following is an entry in ClinVar:

ClinVar aggregate classification (germline): Uncertain significance (1 of 4 stars; one submission).

gnomAD v4.1: 1 of 1,548,140 alleles (0.000065%); highest among the groups gnomAD compares: Non-Finnish European, 0.000086%; no homozygotes.

Submission:

Ambry Genetics
Classification: Uncertain significance. Last evaluated: 2025-05-27. Review status: criteria provided, single submitter. Criteria: Ambry Variant Classification Scheme 2023. Collection method: clinical testing. Allele origin: germline.
Comment: The p.S433L variant (also known as c.1298C>T), located in coding exon 13 of the RASA2 gene, results from a C to T substitution at nucleotide position 1298. The serine at codon 433 is replaced by leucine, an amino acid with dissimilar properties. This amino acid position is conserved. In addition, this alteration is predicted to be tolerated by in silico analysis. Based on the available evidence, the clinical significance of this variant remains unclear.

NM_006506.5(RASA2):c.1298C>T (p.Ser433Leu)

Gene: RASA2 (RAS p21 protein activator 2; plus strand). Cytogenetic location: 3q23.
Variant type: single nucleotide variant.
Coding change: c.1298C>T on transcript NM_006506.5 (MANE Select); coding-DNA position 1298, C replaced by T.
Protein change: p.Ser433Leu; replaces serine 433 with leucine.
Molecular consequence: missense variant.
Genome position (GRCh38, 1-based): chr3:141,573,160, C>T. VCF-style: chr3-141573160-C-T. GRCh37 (hg19) VCF-style: chr3-141292002-C-T.
Other names: c.1298C>T, p.Ser433Leu (NM_001303245.3, NM_001303246.3); short protein forms S433L.
Identifiers: ClinVar variation 3943010 (VCV003943010.1).